The following is an entry in ClinVar:

NM_005188.4(CBL):c.856C>T (p.His286Tyr)

Gene: CBL (Cbl proto-oncogene; plus strand). Cytogenetic location: 11q23.3.
Variant type: single nucleotide variant.
Coding change: c.856C>T on transcript NM_005188.4 (MANE Select); coding-DNA position 856, C replaced by T.
Protein change: p.His286Tyr; replaces histidine 286 with tyrosine.
Molecular consequence: missense variant.
Genome position (GRCh38, 1-based): chr11:119,274,940, C>T. VCF-style: chr11-119274940-C-T. GRCh37 (hg19) VCF-style: chr11-119145650-C-T.
Other names: short protein forms H286Y.
Identifiers: ClinVar variation 3827785 (VCV003827785.1).

ClinVar aggregate classification (germline): Uncertain significance (1 of 4 stars; one submission).

Conditions:
Cardiovascular phenotype. Identifiers: MedGen CN230736.

Submission:

Ambry Genetics
Classification: Uncertain significance for Cardiovascular phenotype. Last evaluated: 2024-12-20. Review status: criteria provided, single submitter. Criteria: Ambry Variant Classification Scheme 2023. Collection method: clinical testing. Allele origin: germline.
Comment: The p.H286Y variant (also known as c.856C>T), located in coding exon 5 of the CBL gene, results from a C to T substitution at nucleotide position 856. The histidine at codon 286 is replaced by tyrosine, an amino acid with similar properties. This amino acid position is conserved. In addition, this alteration is predicted to be deleterious by in silico analysis. Based on the available evidence, the clinical significance of this variant remains unclear.